The following is an entry in ClinVar:

NM_020937.4(FANCM):c.403G>A (p.Gly135Arg)

Gene: FANCM (FA complementation group M; plus strand). Cytogenetic location: 14q21.2.
Variant type: single nucleotide variant.
Coding change: c.403G>A on transcript NM_020937.4 (MANE Select); coding-DNA position 403, G replaced by A.
Protein change: p.Gly135Arg; replaces glycine 135 with arginine.
Molecular consequence: missense variant.
Genome position (GRCh38, 1-based): chr14:45,136,434, G>A. VCF-style: chr14-45136434-G-A. GRCh37 (hg19) VCF-style: chr14-45605637-G-A.
Other names: c.403G>A, p.Gly135Arg (NM_001308133.2, NM_001308134.2); short protein forms G135R.
Identifiers: ClinVar variation 649411 (VCV000649411.10), dbSNP rs1594750987, ClinGen allele CA389588126.

ClinVar aggregate classification (germline): Uncertain significance (1 of 4 stars; one submission).

Conditions:
Fanconi anemia (FA). Also called: Fanconi's anemia. Identifiers: Orphanet 84, MedGen C0015625, MeSH D005199, MONDO:0019391.

Submission:

Labcorp Genetics (formerly Invitae), Labcorp
Classification: Uncertain significance for Fanconi anemia. Last evaluated: 2019-03-26. Review status: criteria provided, single submitter. Criteria: Invitae Variant Classification Sherloc (09022015). Collection method: clinical testing. Allele origin: germline.
Comment: This variant is not present in population databases (ExAC no frequency). In summary, the available evidence is currently insufficient to determine the role of this variant in disease. Therefore, it has been classified as a Variant of Uncertain Significance. Algorithms developed to predict the effect of missense changes on protein structure and function are either unavailable or do not agree on the potential impact of this missense change (SIFT: "Deleterious"; PolyPhen-2: "Probably Damaging"; Align-GVGD: "Class C0"). This variant has not been reported in the literature in individuals with FANCM-related conditions. This sequence change replaces glycine with arginine at codon 135 of the FANCM protein (p.Gly135Arg). The glycine residue is moderately conserved and there is a moderate physicochemical difference between glycine and arginine.